The following is an entry in ClinVar:

NM_000553.6(WRN):c.1985T>C (p.Ile662Thr)

Gene: WRN (WRN RecQ like helicase; plus strand). Cytogenetic location: 8p12.
Variant type: single nucleotide variant.
Coding change: c.1985T>C on transcript NM_000553.6 (MANE Select); coding-DNA position 1985, T replaced by C.
Protein change: p.Ile662Thr; replaces isoleucine 662 with threonine.
Molecular consequence: missense variant.
Genome position (GRCh38, 1-based): chr8:31,100,852, T>C. VCF-style: chr8-31100852-T-C. GRCh37 (hg19) VCF-style: chr8-30958368-T-C.
Other names: short protein forms I662T.
Identifiers: ClinVar variation 1026694 (VCV001026694.5), dbSNP rs1814194283, ClinGen allele CA370908145.

ClinVar aggregate classification (germline): Uncertain significance (1 of 4 stars; one submission).

Conditions:
Werner syndrome (WRN). Identifiers: Orphanet 902, MedGen C0043119, MONDO:0010196, OMIM 277700.

Submission:

Labcorp Genetics (formerly Invitae), Labcorp
Classification: Uncertain significance for Werner syndrome. Last evaluated: 2023-07-17. Review status: criteria provided, single submitter. Criteria: Invitae Variant Classification Sherloc (09022015). Collection method: clinical testing. Allele origin: germline.
Comment: This sequence change replaces isoleucine, which is neutral and non-polar, with threonine, which is neutral and polar, at codon 662 of the WRN protein (p.Ile662Thr). This variant is not present in population databases (gnomAD no frequency). This variant has not been reported in the literature in individuals affected with WRN-related conditions. ClinVar contains an entry for this variant (Variation ID: 1026694). An algorithm developed to predict the effect of missense changes on protein structure and function (PolyPhen-2) suggests that this variant is likely to be disruptive. In summary, the available evidence is currently insufficient to determine the role of this variant in disease. Therefore, it has been classified as a Variant of Uncertain Significance.